The following is an entry in ClinVar:

ClinVar aggregate classification (germline): Uncertain significance (1 of 4 stars; one submission).

Submission:

Labcorp Genetics (formerly Invitae), Labcorp
Classification: Uncertain significance. Last evaluated: 2023-04-28. Review status: criteria provided, single submitter. Criteria: Invitae Variant Classification Sherloc (09022015). Collection method: clinical testing. Allele origin: germline.
Comment: This sequence change creates a premature translational stop signal (p.Ser499Leufs*2) in the CAMK2B gene. It is expected to result in an absent or disrupted protein product. However, the current clinical and genetic evidence is not sufficient to establish whether loss-of-function variants in CAMK2B cause disease. This variant is not present in population databases (gnomAD no frequency). This variant has not been reported in the literature in individuals affected with CAMK2B-related conditions. In summary, the available evidence is currently insufficient to determine the role of this variant in disease. Therefore, it has been classified as a Variant of Uncertain Significance.

NM_001220.5(CAMK2B):c.1496del (p.Ser499fs)

Gene: CAMK2B (calcium/calmodulin dependent protein kinase II beta; minus strand). Cytogenetic location: 7p13.
Variant type: Deletion.
Coding change: c.1496del on transcript NM_001220.5 (MANE Select); coding-DNA position 1496, one base deleted (C; older notation c.1496delC).
Protein change: p.Ser499fs; shifts the reading frame from serine 499.
Molecular consequence: frameshift variant. On other transcripts: intron variant (8).
Genome position (GRCh38, 1-based): chr7:44,226,617, G deleted on the plus strand (C on the coding strand, the reverse complement: CAMK2B is on the minus strand). VCF-style (leftmost placement, unchanged base first): chr7-44226616-AG-A. GRCh37 (hg19) VCF-style: chr7-44266215-AG-A.
Other names: c.947-5716del (NM_172084.3); c.1150+4389del (NM_172080.3); c.1036+4389del (NM_172083.3); c.1108+4389del (NM_172081.3); c.1153+4389del (NM_172079.3, NM_172082.3); c.1225+4389del (NM_001293170.2, NM_172078.3); short protein forms S499fs.
Identifiers: ClinVar variation 2860301 (VCV002860301.3), dbSNP rs2485060652, ClinGen allele CA2739266406.